The following is an entry in ClinVar:

ClinVar aggregate classification (germline): Uncertain significance. Review status: criteria provided, multiple submitters, no conflicts (2 of 4 stars). 2 submissions from 2 submitters: Uncertain significance (2). Last evaluated 2023-09-17.

Conditions:
Aneurysm-osteoarthritis syndrome. Also called: Loeys-Dietz syndrome, type 1C; LOEYS-DIETZ SYNDROME WITH OSTEOARTHRITIS; SMAD3-Related Loeys-Dietz Syndrome; ANEURYSMS-OSTEOARTHRITIS SYNDROME. Identifiers: Orphanet 284984, MedGen C3151087, MONDO:0013426, OMIM 613795.

Allele frequency attached by ClinVar (database versions not stated): gnomAD 0.00001.
gnomAD v4.1: 1 of 1,594,646 alleles (0.000063%); highest among the groups gnomAD compares: African/African-American, 0.0013%; no homozygotes.

Submissions (2):

All of Us Research Program, National Institutes of Health
Classification: Uncertain significance for Aneurysm-osteoarthritis syndrome. Last evaluated: 2023-09-17. Review status: criteria provided, single submitter. Criteria: ACMG Guidelines, 2015. Collection method: clinical testing. Allele origin: germline. Inheritance: Autosomal dominant inheritance. Observed: 1 variant allele, 1 heterozygote.
Comment: This missense variant replaces asparagine with threonine at codon 197 of the SMAD3 protein. Computational prediction suggests that this variant may not impact protein structure and function (internally defined REVEL score threshold <= 0.5, PMID: 27666373). To our knowledge, functional studies have not been reported for this variant. This variant has not been reported in individuals affected with SMAD3-related disorders in the literature. This variant has not been identified in the general population by the Genome Aggregation Database (gnomAD). The available evidence is insufficient to determine the role of this variant in disease conclusively. Therefore, this variant is classified as a Variant of Uncertain Significance.

This study involves interpretation of variants in research participants for the purpose of population health screening. Participant phenotype was not available at the time of variant classification. Additional details can be found in publication PMID: 35346344, PMCID: PMC8962531

Revvity Omics, Revvity
Classification: Uncertain significance for Aneurysm-osteoarthritis syndrome. Last evaluated: 2021-02-08. Review status: criteria provided, single submitter. Criteria: ACMG Guidelines, 2015. Collection method: clinical testing. Allele origin: germline.

NM_005902.4(SMAD3):c.590A>C (p.Asn197Thr)

Gene: SMAD3 (SMAD family member 3; plus strand). Cytogenetic location: 15q22.33.
Variant type: single nucleotide variant.
Coding change: c.590A>C on transcript NM_005902.4 (MANE Select); coding-DNA position 590, A replaced by C.
Protein change: p.Asn197Thr; replaces asparagine 197 with threonine.
Molecular consequence: missense variant.
Genome position (GRCh38, 1-based): chr15:67,166,836, A>C. VCF-style: chr15-67166836-A-C. GRCh37 (hg19) VCF-style: chr15-67459174-A-C.
Other names: c.275A>C, p.Asn92Thr (NM_001145102.2, NM_001407016.1); c.458A>C, p.Asn153Thr (NM_001145103.2, NM_001407012.1); c.5A>C, p.Asn2Thr (NM_001145104.2, NM_001407017.1); c.590A>C, p.Asn197Thr (NM_001407011.1, NM_001407013.1); c.443A>C, p.Asn148Thr (NM_001407014.1); c.143A>C, p.Asn48Thr (NM_001407015.1); short protein forms N148T, N153T, N197T, N2T, N48T, N92T.
Identifiers: ClinVar variation 2436115 (VCV002436115.4), dbSNP rs1236860367, ClinGen allele CA392954808.